The following is an entry in ClinVar:

ClinVar aggregate classification (germline): Likely benign (1 of 4 stars; one submission).

gnomAD v4.1: 639 of 1,587,342 alleles (0.04%); highest among the groups gnomAD compares: African/African-American, 0.77%; 7 homozygotes.

Submission:

CeGaT Center for Human Genetics Tuebingen
Classification: Likely benign. Last evaluated: 2026-03-01. Review status: criteria provided, single submitter. Criteria: CeGaT Center For Human Genetics Tuebingen Variant Classification Criteria Version 2. Collection method: clinical testing. Allele origin: germline. Affected: yes. Observed: 1 variant allele.
Comment: MUC5B: BP4, BP7

NM_002458.3(MUC5B):c.17169A>G (p.Ser5723=)

Gene: MUC5B (mucin 5B, oligomeric mucus/gel-forming; plus strand). Cytogenetic location: 11p15.5.
Variant type: single nucleotide variant.
Coding change: c.17169A>G on transcript NM_002458.3 (MANE Select); coding-DNA position 17169, A replaced by G.
Protein change: p.Ser5723=; no amino-acid change (serine 5723 retained).
Molecular consequence: synonymous variant.
Genome position (GRCh38, 1-based): chr11:1,261,488, A>G. VCF-style: chr11-1261488-A-G. GRCh37 (hg19) VCF-style: chr11-1282718-A-G.
Identifiers: ClinVar variation 4821193 (VCV004821193.4).
Genomic context (GRCh38, chr11:1,261,488, plus strand): 5'-CTGCTGCCAGGAGAGGCGGGTCCACGAGGAGACGGTGCCCTTGCACTGTCCTAACGGCTC[A>G]GCCATCCTGCACACCTACACCCACGTGGATGAGTGTGGCTGCACGCCCTTCTGTGTCCCT-3'
Protein context (NP_002449.2, residues 5713-5733): ETVPLHCPNG[Ser5723=]AILHTYTHVD